The following is an entry in ClinVar:

ClinVar aggregate classification (germline): Pathogenic (1 of 4 stars; one submission).

Submission:

Labcorp Genetics (formerly Invitae), Labcorp
Classification: Pathogenic. Last evaluated: 2025-11-13. Review status: criteria provided, single submitter. Criteria: Invitae Variant Classification Sherloc (09022015). Collection method: clinical testing. Allele origin: germline.
Comment: This sequence change creates a premature translational stop signal (p.Gln373Asnfs*17) in the CWC27 gene. It is expected to result in an absent or disrupted protein product. Loss-of-function variants in CWC27 are known to be pathogenic (PMID: 28285769). This variant is not present in population databases (gnomAD no frequency). This variant has not been reported in the literature in individuals affected with CWC27-related conditions. For these reasons, this variant has been classified as Pathogenic.

Literature cited by the submitters: PubMed 28285769.

NM_005869.4(CWC27):c.1117del (p.Gln373fs)

Gene: CWC27 (CWC27 spliceosome associated cyclophilin; plus strand). Cytogenetic location: 5q12.3.
Variant type: Deletion.
Coding change: c.1117del on transcript NM_005869.4 (MANE Select); coding-DNA position 1117, one base deleted (C; older notation c.1117delC).
Protein change: p.Gln373fs; shifts the reading frame from glutamine 373.
Molecular consequence: frameshift variant.
Genome position (GRCh38, 1-based): chr5:64,971,777, C deleted. VCF-style (leftmost placement, unchanged base first): chr5-64971776-GC-G. GRCh37 (hg19) VCF-style: chr5-64267603-GC-G.
Other names: c.1117del, p.Gln373fs (NM_001297644.1); short protein forms Q373fs.
Identifiers: ClinVar variation 4766260 (VCV004766260.1).
Genomic context (GRCh38, chr5:64,971,776, plus strand): 5'-TCCAGATGGTGCTGTTGCCGAATACAGAAGAGAAAAGCAAAAGTATGAAGCTTTGAGGAA[GC>G]AACAGTCAAAGAAGGGAACTTCCCGGGAAGATCAGGTAACTTCAAAAACCCAAATCCATA-3'